The following is an entry in ClinVar:

ClinVar aggregate classification (germline): Uncertain significance (1 of 4 stars; one submission).

Conditions:
Alkaptonuria (AKU). Also called: HOMOGENTISIC ACID OXIDASE DEFICIENCY; Alcaptonuria; Homogentisic acidura; Alkaptonuric ochronosis. Identifiers: Orphanet 56, MedGen C0002066, MONDO:0008753, OMIM 203500.

gnomAD v4.1: 1 of 1,613,764 alleles (0.000062%); highest among the groups gnomAD compares: Non-Finnish European, 0.000085%; no homozygotes.

Submission:

Neuberg Centre For Genomic Medicine, NCGM
Classification: Uncertain significance for Alkaptonuria. Last evaluated: 2023-07-22. Review status: criteria provided, single submitter. Criteria: ACMG Guidelines, 2015. Collection method: clinical testing. Allele origin: germline. Inheritance: Autosomal recessive inheritance. Affected: yes.
Comment: The observed missense variant c.998A>Cp.Tyr333Ser in HGD gene has not been reported previously as a pathogenic variant nor as a benign variant, to our knowledge. The p.Tyr333Ser variant is absent in gnomAD Exomes. The amino acid Tyr at position 333 is changed to a Ser changing protein sequence and it might alter its composition and physico-chemical properties. Multiple lines of computational evidence Polyphen- probably damaging, SIFT-damaging and Mutation Taster-disease causing predict a damaging effect on protein structure and function for this variant. The reference amino acid p.Tyr333Ser in HGD is predicted as conserved by GERP++ and PhyloP across 100 vertebrates. For these reasons, this variant has been classified as Uncertain Significance.

NM_000187.4(HGD):c.998A>C (p.Tyr333Ser)

Gene: HGD (homogentisate 1,2-dioxygenase; minus strand). Cytogenetic location: 3q13.33.
Variant type: single nucleotide variant.
Coding change: c.998A>C on transcript NM_000187.4 (MANE Select); coding-DNA position 998, A replaced by C.
Protein change: p.Tyr333Ser; replaces tyrosine 333 with serine.
Molecular consequence: missense variant.
Genome position (GRCh38, 1-based): chr3:120,638,463, T>G on the plus strand (A>C on the coding strand, the complement: HGD is on the minus strand). VCF-style: chr3-120638463-T-G. GRCh37 (hg19) VCF-style: chr3-120357310-T-G.
Other names: short protein forms Y333S.
Identifiers: ClinVar variation 3391218 (VCV003391218.1).
Genomic context (GRCh38, chr3:120,638,463, plus strand): 5'-GCTTTGTTGTCTCTTTGGCTTGCAAATGTGGCTTGGTAAAAGAGAGACTTACTATGGTAA[T>G]AAGGAGGCCTGAAGGTCTTATCAGCAACCCCCCATCGAGGTGGGAAGATGACAAAATCAG-3'
Protein context (NP_000178.2, residues 323-343): GVADKTFRPP[Tyr333Ser]YHRNCMSEFM